The following is an entry in ClinVar:

NM_001369268.1(ACAN):c.6167A>T (p.Gln2056Leu)

Gene: ACAN (aggrecan; plus strand). Cytogenetic location: 15q26.1.
Variant type: single nucleotide variant.
Coding change: c.6167A>T on transcript NM_001369268.1 (MANE Select); coding-DNA position 6167, A replaced by T.
Protein change: p.Gln2056Leu; replaces glutamine 2056 with leucine.
Molecular consequence: missense variant.
Genome position (GRCh38, 1-based): chr15:88,858,752, A>T. VCF-style: chr15-88858752-A-T. GRCh37 (hg19) VCF-style: chr15-89401983-A-T.
Other names: c.6167A>T, p.Gln2056Leu (NM_001135.4, NM_001411096.1, NM_001411097.1 and 1 more transcripts); short protein forms Q2056L.
Identifiers: ClinVar variation 3469962 (VCV003469962.3).

ClinVar aggregate classification (germline): Uncertain significance. Review status: criteria provided, multiple submitters, no conflicts (2 of 4 stars). 2 submissions from 2 submitters: Uncertain significance (2). Last evaluated 2025-09-22.

Conditions:
Inborn genetic diseases. Identifiers: MedGen C0950123, MeSH D030342.

gnomAD v4.1: 6 of 1,613,818 alleles (0.00037%); highest among the groups gnomAD compares: African/African-American, 0.0067%; no homozygotes.

Submissions (2):

Dasa
Classification: Uncertain significance. Last evaluated: 2025-09-22. Review status: criteria provided, single submitter. Criteria: DASA Assertion Criteria. Collection method: clinical testing. Allele origin: germline.
Comment: NM_001369268.1(ACAN):c.6167A>T (p.Gln2056Leu) is a missense variant that results in the substitution of glutamine with leucine. This variant is rare in population databases. Computational prediction algorithms are consistent with a benign effect. The currently available literature and clinical evidence are not sufficient to establish a definitive association between this variant and the reported condition. Therefore, this variant is classified as a variant of uncertain significance.

Ambry Genetics
Classification: Uncertain significance for Inborn genetic diseases. Last evaluated: 2024-12-03. Review status: criteria provided, single submitter. Criteria: Ambry Variant Classification Scheme 2023. Collection method: clinical testing. Allele origin: germline.